The following is an entry in ClinVar:

ClinVar aggregate classification (germline): Uncertain significance (1 of 4 stars; one submission).

Conditions:
Intellectual developmental disorder with autism and macrocephaly. Also called: Autism, susceptibility to, 18; CHD8-Related Neurodevelopmental Disorder with Overgrowth. Identifiers: Orphanet 642675, MedGen C3554373, MONDO:0014017, OMIM 615032.

Submission:

3billion
Classification: Uncertain significance for Intellectual developmental disorder with autism and macrocephaly. Last evaluated: 2024-03-14. Review status: criteria provided, single submitter. Criteria: ACMG Guidelines, 2015. Collection method: clinical testing. Allele origin: germline. Affected: yes.
Comment: The variant is not observed in the gnomAD v2.1.1 dataset. Predicted Consequence/Location: Intron variant In silico tools predict the variant to alter splicing and produce an abnormal transcript [SpliceAI: 0.23 (>=0.2, moderate evidence for spliceogenicity)]. Therefore, this variant is classified as VUS according to the recommendation of ACMG/AMP guideline.

NM_001170629.2(CHD8):c.5183-4A>G

Gene: CHD8 (chromodomain helicase DNA binding protein 8; minus strand). Cytogenetic location: 14q11.2.
Variant type: single nucleotide variant.
Coding change: c.5183-4A>G on transcript NM_001170629.2 (MANE Select); 4 bases into the intron before coding-DNA position 5183, A replaced by G.
Molecular consequence: intron variant.
Genome position (GRCh38, 1-based): chr14:21,395,123, T>C on the plus strand (A>G on the coding strand, the complement: CHD8 is on the minus strand). VCF-style: chr14-21395123-T-C. GRCh37 (hg19) VCF-style: chr14-21863282-T-C.
Other names: c.4346-4A>G (NM_020920.4).
Identifiers: ClinVar variation 3776096 (VCV003776096.1).